The following is an entry in ClinVar:

NM_000817.3(GAD1):c.382G>A (p.Val128Ile)

Gene: GAD1 (glutamate decarboxylase 1; plus strand). Cytogenetic location: 2q31.1.
Variant type: single nucleotide variant.
Coding change: c.382G>A on transcript NM_000817.3 (MANE Select); coding-DNA position 382, G replaced by A.
Protein change: p.Val128Ile; replaces valine 128 with isoleucine.
Molecular consequence: missense variant.
Genome position (GRCh38, 1-based): chr2:170,831,027, G>A. VCF-style: chr2-170831027-G-A. GRCh37 (hg19) VCF-style: chr2-171687537-G-A.
Other names: c.382G>A, p.Val128Ile (NM_013445.4); short protein forms V128I.
Identifiers: ClinVar variation 1430282 (VCV001430282.8), dbSNP rs1702206902, ClinGen allele CA349272650.
Genomic context (GRCh38, chr2:170,831,027, plus strand): 5'-AACGGTGAGGAGCAAACCGTGCAATTCCTCCTGGAAGTGGTGGACATACTCCTCAACTAT[G>A]TCCGCAAGACATTTGATCGCTCCACCAAGGTGCTGGACTTTCATCACCCACACCAGTTGC-3'
Protein context (NP_000808.2, residues 118-138): LEVVDILLNY[Val128Ile]RKTFDRSTKV

ClinVar aggregate classification (germline): Uncertain significance (1 of 4 stars; one submission).

Conditions:
Neurodevelopmental disorder with progressive spasticity and brain white matter abnormalities. Also called: CEREBRAL PALSY, SPASTIC QUADRIPLEGIC, 1. Identifiers: Orphanet 210141, Orphanet 641353, MedGen C5436628, MONDO:0033613, OMIM 619026.

Submission:

Labcorp Genetics (formerly Invitae), Labcorp
Classification: Uncertain significance for Neurodevelopmental disorder with progressive spasticity and brain white matter abnormalities. Last evaluated: 2023-04-24. Review status: criteria provided, single submitter. Criteria: Invitae Variant Classification Sherloc (09022015). Collection method: clinical testing. Allele origin: germline.
Comment: ClinVar contains an entry for this variant (Variation ID: 1430282). In summary, the available evidence is currently insufficient to determine the role of this variant in disease. Therefore, it has been classified as a Variant of Uncertain Significance. Advanced modeling of protein sequence and biophysical properties (such as structural, functional, and spatial information, amino acid conservation, physicochemical variation, residue mobility, and thermodynamic stability) performed at Invitae indicates that this missense variant is not expected to disrupt GAD1 protein function. This variant has not been reported in the literature in individuals affected with GAD1-related conditions. This variant is not present in population databases (gnomAD no frequency). This sequence change replaces valine, which is neutral and non-polar, with isoleucine, which is neutral and non-polar, at codon 128 of the GAD1 protein (p.Val128Ile).